The following is an entry in ClinVar:

ClinVar aggregate classification (germline): Uncertain significance (1 of 4 stars; one submission).

Conditions:
FGFR1-related disorder. Also called: FGFR1-related disorders; FGFR1-related condition. Identifiers: MedGen CN380097.

Submission:

PreventionGenetics, part of Exact Sciences
Classification: Uncertain significance for FGFR1-related condition. Last evaluated: 2025-01-02. Review status: criteria provided, single submitter. Criteria: ACMG Guidelines, 2015. Collection method: clinical testing. Allele origin: germline.
Comment: The FGFR1 c.2129G>A variant is predicted to result in the amino acid substitution p.Gly710Asp. To our knowledge, this variant has not been reported in the literature or in a large population database (gnomAD), indicating this variant is rare. At this time, the clinical significance of this variant is uncertain due to the absence of conclusive functional and genetic evidence.

NM_023110.3(FGFR1):c.*1142G>A

Genes: FGFR1 (fibroblast growth factor receptor 1; minus strand), LOC102723716 (uncharacterized LOC102723716; minus strand). Cytogenetic location: 8p11.23.
Variant type: single nucleotide variant.
Coding change: c.*1142G>A on transcript NM_023110.3 (MANE Select); 1142 bases downstream of the stop codon, G replaced by A.
Molecular consequence: 3 prime UTR variant. On other transcripts: non-coding transcript variant (1), missense variant (3).
Genome position (GRCh38, 1-based): chr8:38,412,486, C>T on the plus strand (G>A on the coding strand, the complement: FGFR1 is on the minus strand). VCF-style: chr8-38412486-C-T. GRCh37 (hg19) VCF-style: chr8-38270004-C-T.
Other names: c.*1142G>A (NM_001174063.2, NM_001174064.2, NM_001174065.2 and 7 more transcripts); c.2396G>A, p.Gly799Asp (NM_001354367.2); c.2390G>A, p.Gly797Asp (NM_001354369.2); c.2129G>A, p.Gly710Asp (NM_001354370.2); short protein forms G799D, G710D, G797D.
Identifiers: ClinVar variation 4987002 (VCV004987002.1).